The following is an entry in ClinVar:

ClinVar aggregate classification (germline): Likely benign (1 of 4 stars; one submission).

Allele frequency attached by ClinVar (database versions not stated): gnomAD exomes below 0.00001 and 0.00001; ExAC 0.00002.
gnomAD v4.1: 3 of 1,604,170 alleles (0.00019%); highest among the groups gnomAD compares: Non-Finnish European, 0.00026%; no homozygotes.

Submission:

GeneDx
Classification: Likely benign. Last evaluated: 2016-07-01. Review status: criteria provided, single submitter. Criteria: GeneDx Variant Classification (06012015). Collection method: clinical testing. Allele origin: germline. Affected: yes.
Comment: This variant is considered likely benign or benign based on one or more of the following criteria: it is a conservative change, it occurs at a poorly conserved position in the protein, it is predicted to be benign by multiple in silico algorithms, and/or has population frequency not consistent with disease.

NM_024809.5(TCTN2):c.1394-12T>C

Gene: TCTN2 (tectonic family member 2; plus strand). Cytogenetic location: 12q24.31.
Variant type: single nucleotide variant.
Coding change: c.1394-12T>C on transcript NM_024809.5 (MANE Select); 12 bases into the intron before coding-DNA position 1394, T replaced by C.
Molecular consequence: intron variant.
Genome position (GRCh38, 1-based): chr12:123,697,075, T>C. VCF-style: chr12-123697075-T-C. GRCh37 (hg19) VCF-style: chr12-124181622-T-C.
Other names: c.1391-12T>C (NM_001143850.3).
Identifiers: ClinVar variation 387285 (VCV000387285.1), dbSNP rs749193076, ClinGen allele CA6861213.
Genomic context (GRCh38, chr12:123,697,075, plus strand): 5'-ACGGAAAACTGAAGTTAATCTTTACTTTTGTTTAGCAAAAAGTAGCAAGAGGATAATCTT[T>C]TTCTTTTATAGCTGGAAGGGGTCTGTGTACATCAGCAACTTTCAAACCCATTTTATTTGG-3'